The following is an entry in ClinVar:

NM_001363711.2(DUOX2):c.1127G>T (p.Arg376Leu)

Gene: DUOX2 (dual oxidase 2; minus strand). Cytogenetic location: 15q21.1.
Variant type: single nucleotide variant.
Coding change: c.1127G>T on transcript NM_001363711.2 (MANE Select); coding-DNA position 1127, G replaced by T.
Protein change: p.Arg376Leu; replaces arginine 376 with leucine.
Molecular consequence: missense variant.
Genome position (GRCh38, 1-based): chr15:45,109,894, C>A on the plus strand (G>T on the coding strand, the complement: DUOX2 is on the minus strand). VCF-style: chr15-45109894-C-A. GRCh37 (hg19) VCF-style: chr15-45402092-C-A.
Other names: c.1127G>T, p.Arg376Leu (NM_014080.5); short protein forms R376L.
Identifiers: ClinVar variation 3689671 (VCV003689671.2).

ClinVar aggregate classification (germline): Uncertain significance (1 of 4 stars; one submission).

gnomAD v4.1: 3 of 1,614,154 alleles (0.00019%); highest among the groups gnomAD compares: East Asian, 0.0067%; no homozygotes.

Submission:

Labcorp Genetics (formerly Invitae), Labcorp
Classification: Uncertain significance. Last evaluated: 2025-08-14. Review status: criteria provided, single submitter. Criteria: Invitae Variant Classification Sherloc (09022015). Collection method: clinical testing. Allele origin: germline.
Comment: This sequence change replaces arginine, which is basic and polar, with leucine, which is neutral and non-polar, at codon 376 of the DUOX2 protein (p.Arg376Leu). This variant is present in population databases (rs778729877, gnomAD 0.03%). This missense change has been observed in individual(s) with clinical features of thyroid dyshormonogenesis (PMID: 33490161). ClinVar contains an entry for this variant (Variation ID: 3689671). Invitae Evidence Modeling of protein sequence and biophysical properties (such as structural, functional, and spatial information, amino acid conservation, physicochemical variation, residue mobility, and thermodynamic stability) indicates that this missense variant is not expected to disrupt DUOX2 protein function with a negative predictive value of 80%. This variant disrupts the p.Arg376 amino acid residue in DUOX2. Other variant(s) that disrupt this residue have been determined to be pathogenic (PMID: 16134168, 17374849, 22336364, 30240412). This suggests that this residue is clinically significant, and that variants that disrupt this residue are likely to be disease-causing. In summary, the available evidence is currently insufficient to determine the role of this variant in disease. Therefore, it has been classified as a Variant of Uncertain Significance.

Literature cited by the submitters: PubMed 33490161; PubMed 16134168; PubMed 17374849; PubMed 22336364; PubMed 30240412.